The following is an entry in ClinVar:

ClinVar aggregate classification (germline): Uncertain significance (1 of 4 stars; one submission).

Allele frequency attached by ClinVar (database versions not stated): gnomAD 0.00001; gnomAD exomes 0.00001; ExAC 0.00005; 1000 Genomes Project 30x 0.00016; 1000 Genomes Project 0.00020.
gnomAD v4.1: 21 of 1,614,204 alleles (0.0013%); highest among the groups gnomAD compares: South Asian, 0.022%; no homozygotes.

Submission:

Ambry Genetics
Classification: Uncertain significance. Last evaluated: 2022-05-30. Review status: criteria provided, single submitter. Criteria: Ambry Variant Classification Scheme 2023. Collection method: clinical testing. Allele origin: germline.
Comment: The p.E1446K variant (also known as c.4336G>A), located in coding exon 4 of the ALPK2 gene, results from a G to A substitution at nucleotide position 4336. The glutamic acid at codon 1446 is replaced by lysine, an amino acid with similar properties. This amino acid position is conserved. In addition, this alteration is predicted to be tolerated by in silico analysis. Since supporting evidence is limited at this time, the clinical significance of this alteration remains unclear.

NM_052947.4(ALPK2):c.4336G>A (p.Glu1446Lys)

Genes: ALPK2 (alpha kinase 2; minus strand), LOC126862764 (BRD4-independent group 4 enhancer GRCh37_chr18:56202574-56203773; plus strand). Cytogenetic location: 18q21.31.
Variant type: single nucleotide variant.
Coding change: c.4336G>A on transcript NM_052947.4 (MANE Select); coding-DNA position 4336, G replaced by A.
Protein change: p.Glu1446Lys; replaces glutamic acid 1446 with lysine.
Molecular consequence: missense variant.
Genome position (GRCh38, 1-based): chr18:58,535,851, C>T on the plus strand (G>A on the coding strand, the complement: ALPK2 is on the minus strand). VCF-style: chr18-58535851-C-T. GRCh37 (hg19) VCF-style: chr18-56203083-C-T.
Other names: short protein forms E1446K.
Identifiers: ClinVar variation 1739818 (VCV001739818.2), dbSNP rs539279339, ClinGen allele CA8976721.